The following is an entry in ClinVar:

NM_005219.5(DIAPH1):c.1601A>G (p.Lys534Arg)

Gene: DIAPH1 (diaphanous related formin 1; minus strand). Cytogenetic location: 5q31.3.
Variant type: single nucleotide variant.
Coding change: c.1601A>G on transcript NM_005219.5 (MANE Select); coding-DNA position 1601, A replaced by G.
Protein change: p.Lys534Arg; replaces lysine 534 with arginine.
Molecular consequence: missense variant.
Genome position (GRCh38, 1-based): chr5:141,575,007, T>C on the plus strand (A>G on the coding strand, the complement: DIAPH1 is on the minus strand). VCF-style: chr5-141575007-T-C. GRCh37 (hg19) VCF-style: chr5-140954574-T-C.
Other names: c.1574A>G, p.Lys525Arg (NM_001079812.3); c.1601A>G, p.Lys534Arg (NM_001314007.2); short protein forms K534R, K525R.
Identifiers: ClinVar variation 854270 (VCV000854270.13), dbSNP rs758517099, ClinGen allele CA3479257.

ClinVar aggregate classification (germline): Uncertain significance. Review status: criteria provided, multiple submitters, no conflicts (2 of 4 stars). 4 submissions from 4 submitters: Uncertain significance (4). Last evaluated 2026-03-11.

Conditions:
Progressive microcephaly-seizures-cortical blindness-developmental delay syndrome. Also called: Seizures, cortical blindness, and microcephaly syndrome. Identifiers: Orphanet 477814, MedGen C5567650, MONDO:0014714, OMIM 616632.
Autosomal dominant nonsyndromic hearing loss 1. Also called: KONIGSMARK SYNDROME; DEAFNESS, AUTOSOMAL DOMINANT 1, WITH OR WITHOUT THROMBOCYTOPENIA. Identifiers: Orphanet 90635, MedGen C1852282, MONDO:0007424, OMIM 124900.
Inborn genetic diseases. Identifiers: MedGen C0950123, MeSH D030342.
DIAPH1-related disorder. Also called: DIAPH1-related condition.

Allele frequency attached by ClinVar (database versions not stated): gnomAD exomes below 0.00001 and 0.00001; ExAC 0.00001; gnomAD 0.00001; TOPMed 0.00001.
gnomAD v4.1: 12 of 1,614,044 alleles (0.00074%); highest among the groups gnomAD compares: Non-Finnish European, 0.001%; no homozygotes.

Submissions (4):

PreventionGenetics, part of Exact Sciences
Classification: Uncertain significance for DIAPH1-related condition. Last evaluated: 2026-03-11. Review status: criteria provided, single submitter. Criteria: ACMG Guidelines, 2015. Collection method: clinical testing. Allele origin: germline.
Comment: The DIAPH1 c.1601A>G variant is predicted to result in the amino acid substitution p.Lys534Arg. To our knowledge, this variant has not been reported in the literature. This variant is reported in 0.00088% of alleles in individuals of European (Non-Finnish) descent in gnomAD. At this time, the clinical significance of this variant is uncertain due to the absence of conclusive functional and genetic evidence.

Ambry Genetics
Classification: Uncertain significance for Inborn genetic diseases. Last evaluated: 2025-11-05. Review status: criteria provided, single submitter. Criteria: Ambry Variant Classification Scheme 2023. Collection method: clinical testing. Allele origin: germline.

Labcorp Genetics (formerly Invitae), Labcorp
Classification: Uncertain significance for Progressive microcephaly-seizures-cortical blindness-developmental delay syndrome; Autosomal dominant nonsyndromic hearing loss 1. Last evaluated: 2025-03-12. Review status: criteria provided, single submitter. Criteria: Invitae Variant Classification Sherloc (09022015). Collection method: clinical testing. Allele origin: germline.
Comment: This sequence change replaces lysine, which is basic and polar, with arginine, which is basic and polar, at codon 534 of the DIAPH1 protein (p.Lys534Arg). This variant is present in population databases (rs758517099, gnomAD 0.0009%). This variant has not been reported in the literature in individuals affected with DIAPH1-related conditions. ClinVar contains an entry for this variant (Variation ID: 854270). Experimental studies and prediction algorithms are not available or were not evaluated, and the functional significance of this variant is currently unknown. In summary, the available evidence is currently insufficient to determine the role of this variant in disease. Therefore, it has been classified as a Variant of Uncertain Significance.

GeneDx
Classification: Uncertain significance. Last evaluated: 2021-12-17. Review status: criteria provided, single submitter. Criteria: GeneDx Variant Classification Process June 2021. Collection method: clinical testing. Allele origin: germline. Affected: yes.
Comment: Not observed at a significant frequency in large population cohorts (Lek et al., 2016); In silico analysis supports that this missense variant does not alter protein structure/function; Has not been previously published as pathogenic or benign to our knowledge